The following is an entry in ClinVar:

ClinVar aggregate classification (germline): Uncertain significance (1 of 4 stars; one submission).

Conditions:
Hereditary cancer-predisposing syndrome. Also called: Tumor predisposition; Hereditary neoplastic syndrome; Hereditary Cancer Syndrome; Neoplastic Syndromes, Hereditary. Identifiers: Orphanet 140162, MedGen C0027672, MeSH D009386, MONDO:0015356.

Submission:

Ambry Genetics
Classification: Uncertain significance for Hereditary cancer-predisposing syndrome. Last evaluated: 2023-12-14. Review status: criteria provided, single submitter. Criteria: Ambry Variant Classification Scheme 2023. Collection method: clinical testing. Allele origin: germline.
Comment: The p.I1150L variant (also known as c.3448A>T), located in coding exon 17 of the BLM gene, results from an A to T substitution at nucleotide position 3448. The isoleucine at codon 1150 is replaced by leucine, an amino acid with highly similar properties. This amino acid position is conserved. In addition, this alteration is predicted to be tolerated by in silico analysis. Since supporting evidence is limited at this time, the clinical significance of this alteration remains unclear.

NM_000057.4(BLM):c.3448A>T (p.Ile1150Leu)

Gene: BLM (BLM RecQ like helicase; plus strand). Cytogenetic location: 15q26.1.
Variant type: single nucleotide variant.
Coding change: c.3448A>T on transcript NM_000057.4 (MANE Select); coding-DNA position 3448, A replaced by T.
Protein change: p.Ile1150Leu; replaces isoleucine 1150 with leucine.
Molecular consequence: missense variant. On other transcripts: intron variant (1).
Genome position (GRCh38, 1-based): chr15:90,803,610, A>T. VCF-style: chr15-90803610-A-T. GRCh37 (hg19) VCF-style: chr15-91346840-A-T.
Other names: c.3448A>T, p.Ile1150Leu (NM_001287246.2); c.2323A>T, p.Ile775Leu (NM_001287248.2); c.3358+5273A>T (NM_001287247.2); short protein forms I1150L, I775L.
Identifiers: ClinVar variation 3224475 (VCV003224475.1), dbSNP rs2505547172, ClinGen allele CA393847614.